The following is an entry in ClinVar:

NM_000465.4(BARD1):c.2119C>G (p.Pro707Ala)

Gene: BARD1 (BRCA1 associated RING domain 1; minus strand). Cytogenetic location: 2q35.
Variant type: single nucleotide variant.
Coding change: c.2119C>G on transcript NM_000465.4 (MANE Select); coding-DNA position 2119, C replaced by G.
Protein change: p.Pro707Ala; replaces proline 707 with alanine.
Molecular consequence: missense variant. On other transcripts: non-coding transcript variant (3).
Genome position (GRCh38, 1-based): chr2:214,728,891, G>C on the plus strand (C>G on the coding strand, the complement: BARD1 is on the minus strand). VCF-style: chr2-214728891-G-C. GRCh37 (hg19) VCF-style: chr2-215593615-G-C.
Other names: c.2062C>G, p.Pro688Ala (NM_001282543.2); c.766C>G, p.Pro256Ala (NM_001282545.2); c.709C>G, p.Pro237Ala (NM_001282548.2); c.580C>G, p.Pro194Ala (NM_001282549.2); short protein forms P256A, P707A, P688A, P194A, P237A.
Identifiers: ClinVar variation 3661195 (VCV003661195.2).
Genomic context (GRCh38, chr2:214,728,891, plus strand): 5'-CGGGTCTCGCATGGTATGCGACTGTATTGATGGTCTGAGTCACGTCACTGTCTGGCTTGG[G>C]CTTTCTACTGAGGATCTGGCCCCCACCTGCAGTGACGAGCTTAATAAGGTTGTCCTTTGG-3'
Protein context (NP_000456.2, residues 697-717): AGGGQILSRK[Pro707Ala]KPDSDVTQTI

ClinVar aggregate classification (germline): Uncertain significance (1 of 4 stars; one submission).

Conditions:
Familial cancer of breast. Also called: Hereditary breast cancer; hereditary breast carcinoma; BREAST CANCER, FAMILIAL. Identifiers: Orphanet 227535, MedGen C0346153, MONDO:0016419, OMIM 114480. Disease mechanism: loss of function.

Submission:

Labcorp Genetics (formerly Invitae), Labcorp
Classification: Uncertain significance for Familial cancer of breast. Last evaluated: 2024-08-01. Review status: criteria provided, single submitter. Criteria: Invitae Variant Classification Sherloc (09022015). Collection method: clinical testing. Allele origin: germline.
Comment: This sequence change replaces proline, which is neutral and non-polar, with alanine, which is neutral and non-polar, at codon 707 of the BARD1 protein (p.Pro707Ala). This variant is not present in population databases (gnomAD no frequency). This variant has not been reported in the literature in individuals affected with BARD1-related conditions. An algorithm developed to predict the effect of missense changes on protein structure and function (PolyPhen-2) suggests that this variant is likely to be disruptive. In summary, the available evidence is currently insufficient to determine the role of this variant in disease. Therefore, it has been classified as a Variant of Uncertain Significance.